The following is an entry in ClinVar:

NM_002661.5(PLCG2):c.1630G>A (p.Glu544Lys)

Gene: PLCG2 (phospholipase C gamma 2; plus strand). Cytogenetic location: 16q23.3.
Variant type: single nucleotide variant.
Coding change: c.1630G>A on transcript NM_002661.5 (MANE Select); coding-DNA position 1630, G replaced by A.
Protein change: p.Glu544Lys; replaces glutamic acid 544 with lysine.
Molecular consequence: missense variant.
Genome position (GRCh38, 1-based): chr16:81,908,488, G>A. VCF-style: chr16-81908488-G-A. GRCh37 (hg19) VCF-style: chr16-81942093-G-A.
Other names: c.1630G>A, p.Glu544Lys (NM_001425749.1, NM_001425750.1, NM_001425751.1); short protein forms E544K.
Identifiers: ClinVar variation 4706106 (VCV004706106.1).

ClinVar aggregate classification (germline): Uncertain significance (1 of 4 stars; one submission).

Conditions:
Familial cold autoinflammatory syndrome 3 (FCAS3). Also called: FAMILIAL ATYPICAL COLD URTICARIA; ANTIBODY DEFICIENCY AND IMMUNE DYSREGULATION, PLCG2-ASSOCIATED. Identifiers: Orphanet 300359, MedGen C3280914, MONDO:0013766, OMIM 614468.

gnomAD v4.1: 2 of 1,614,120 alleles (0.00012%); highest among the groups gnomAD compares: Non-Finnish European, 0.00017%; no homozygotes.

Submission:

Labcorp Genetics (formerly Invitae), Labcorp
Classification: Uncertain significance for Familial cold autoinflammatory syndrome 3. Last evaluated: 2025-10-21. Review status: criteria provided, single submitter. Criteria: Invitae Variant Classification Sherloc (09022015). Collection method: clinical testing. Allele origin: germline.
Comment: This sequence change replaces glutamic acid, which is acidic and polar, with lysine, which is basic and polar, at codon 544 of the PLCG2 protein (p.Glu544Lys). This variant is not present in population databases (gnomAD no frequency). This variant has not been reported in the literature in individuals affected with PLCG2-related conditions. An algorithm developed to predict the effect of missense changes on protein structure and function (PolyPhen-2) suggests that this variant is likely to be disruptive. In summary, the available evidence is currently insufficient to determine the role of this variant in disease. Therefore, it has been classified as a Variant of Uncertain Significance.